The following is an entry in ClinVar:

ClinVar aggregate classification (germline): Benign/Likely benign. Review status: criteria provided, multiple submitters, no conflicts (2 of 4 stars). 2 submissions from 2 submitters: Benign (1); Likely benign (1). Last evaluated 2025-02-06.

Conditions:
Familial cancer of breast. Also called: BREAST CANCER, FAMILIAL; Hereditary breast cancer; hereditary breast carcinoma. Identifiers: Orphanet 227535, MedGen C0346153, MONDO:0016419, OMIM 114480. Disease mechanism: loss of function.
Hereditary cancer-predisposing syndrome. Also called: Hereditary neoplastic syndrome; Neoplastic Syndromes, Hereditary; Tumor predisposition; Hereditary Cancer Syndrome. Identifiers: Orphanet 140162, MedGen C0027672, MeSH D009386, MONDO:0015356.

Submissions (2):

Ambry Genetics
Classification: Likely benign for Hereditary cancer-predisposing syndrome. Last evaluated: 2025-02-06. Review status: criteria provided, single submitter. Criteria: Ambry Variant Classification Scheme 2023. Collection method: clinical testing. Allele origin: germline.

Myriad Genetics, Inc.
Classification: Benign for Familial cancer of breast. Last evaluated: 2024-04-17. Review status: criteria provided, single submitter. Criteria: Myriad Autosomal Dominant, Autosomal Recessive and X-Linked Classification Criteria (2023). Collection method: clinical testing. Allele origin: unknown.
Comment: This variant is considered benign. This variant is a silent/synonymous amino acid change and it is not expected to impact splicing.

NM_000051.4(ATM):c.177T>C (p.Ala59=)

Gene: ATM (ATM serine/threonine kinase; plus strand). Cytogenetic location: 11q22.3.
Variant type: single nucleotide variant.
Coding change: c.177T>C on transcript NM_000051.4 (MANE Select); coding-DNA position 177, T replaced by C.
Protein change: p.Ala59=; no amino-acid change (alanine 59 retained).
Molecular consequence: synonymous variant.
Genome position (GRCh38, 1-based): chr11:108,227,880, T>C. VCF-style: chr11-108227880-T-C. GRCh37 (hg19) VCF-style: chr11-108098607-T-C.
Other names: c.177T>C, p.Ala59= (NM_001351834.2, NM_001351835.2, NM_001351836.2).
Identifiers: ClinVar variation 3253758 (VCV003253758.2), dbSNP rs2135014869.